The following is an entry in ClinVar:

ClinVar aggregate classification (germline): Likely pathogenic (1 of 4 stars; one submission).

Conditions:
Dihydropteridine reductase deficiency (HPABH4C). Also called: BH4-Deficient Hyperphenylalaninemia C; HYPERPHENYLALANINEMIA, TETRAHYDROBIOPTERIN-DEFICIENT, DUE TO DHPR DEFICIENCY; QDPR DEFICIENCY; QUINOID DIHYDROPTERIDINE REDUCTASE DEFICIENCY; Phenylketonuria II; Hyperphenylalaninemia due to dihydropteridine reductase deficiency. Identifiers: Orphanet 226, Orphanet 238583, MedGen C0268465, MONDO:0009862, OMIM 261630.

Submission:

Diagnostics Services (NGS), CSIR - Centre For Cellular And Molecular Biology
Classification: Likely pathogenic for Dihydropteridine reductase deficiency. Last evaluated: 2026-09-15. Review status: criteria provided, single submitter. Criteria: ACMG Guidelines, 2015. Collection method: clinical testing. Allele origin: germline. Affected: no. Observed: 2 variant alleles, 2 heterozygotes.
Comment: The c.458_464del variant is not present in publicly available population databases like 1000 Genomes, EVS, gnomAD, Indian Exome Database and in our internal database. This variant has neither been published in the literature for QDPR-related conditions nor reported to clinical databases like Human Genome Mutation Databases (HGMD), ClinVar or OMIM in any affected individuals. In-silico pathogenicity prediction programs like MutationTaster2, CADD, Varsome, Franklin, etc predicted this variant to be likely deleterious. This variant causes frameshift at the 153rd amino acid position of the wild-type transcript which creates a premature translational stop signal at the altered transcript that may either result in translation of a truncated protein or cause nonsense mediated decay of the mRNA. This variant was identified in a couple as a part of couple carrier screening.

NM_000320.3(QDPR):c.458_464del (p.Ala153fs)

Gene: QDPR (quinoid dihydropteridine reductase; minus strand). Cytogenetic location: 4p15.32.
Variant type: Deletion.
Coding change: c.458_464del on transcript NM_000320.3 (MANE Select); coding-DNA positions 458 to 464, 7 bases deleted (CCAAGGG; older notation c.458_464delCCAAGGG).
Protein change: p.Ala153fs; shifts the reading frame from alanine 153.
Molecular consequence: frameshift variant.
Genome position (GRCh38, 1-based): chr4:17,492,313-17,492,319, CCCTTGG deleted on the plus strand (CCAAGGG on the coding strand, the reverse complement: QDPR is on the minus strand); deleting any 7 consecutive bases within chr4:17,492,313-17,492,321 gives the same sequence; the c. name uses the placement nearest the transcript's 3' end. VCF-style (leftmost placement, unchanged base first): chr4-17492312-ACCCTTGG-A. GRCh37 (hg19) VCF-style: chr4-17493935-ACCCTTGG-A.
Other names: c.365_371del, p.Ala122fs (NM_001306140.2); short protein forms A122fs, A153fs.
Identifiers: ClinVar variation 4974988 (VCV004974988.1).